The following is an entry in ClinVar:

NM_000639.3(FASLG):c.177G>A (p.Pro59=)

Gene: FASLG (Fas ligand; plus strand). Cytogenetic location: 1q24.3.
Variant type: single nucleotide variant.
Coding change: c.177G>A on transcript NM_000639.3 (MANE Select); coding-DNA position 177, G replaced by A.
Protein change: p.Pro59=; no amino-acid change (proline 59 retained).
Molecular consequence: synonymous variant.
Genome position (GRCh38, 1-based): chr1:172,659,378, G>A. VCF-style: chr1-172659378-G-A. GRCh37 (hg19) VCF-style: chr1-172628518-G-A.
Other names: c.177G>A, p.Pro59= (NM_001302746.2).
Identifiers: ClinVar variation 293733 (VCV000293733.15), dbSNP rs559795993, ClinGen allele CA1247470.
Genomic context (GRCh38, chr1:172,659,378, plus strand): 5'-GCCTGGTCAAAGGAGGCCACCACCACCACCGCCACCGCCACCACTACCACCTCCGCCGCC[G>A]CCGCCACCACTGCCTCCACTACCGCTGCCACCCCTGAAGAAGAGAGGGAACCACAGCACA-3'
Protein context (NP_000630.1, residues 49-69): PPPPPLPPPP[Pro59=]PPPLPPLPLP

ClinVar aggregate classification (germline): Benign/Likely benign. Review status: criteria provided, multiple submitters, no conflicts (2 of 4 stars). 5 submissions from 5 submitters: Benign (2); Likely benign (1). 2 of the submissions do not count toward it. Last evaluated 2025-10-23.

Conditions:
Autoimmune lymphoproliferative syndrome type 1. Also called: AUTOIMMUNE LYMPHOPROLIFERATIVE SYNDROME, TYPE I, AUTOSOMAL DOMINANT. Identifiers: Orphanet 3261, MedGen C2717884, MONDO:0011158, OMIM 601859.

Allele frequency attached by ClinVar (database versions not stated): TOPMed 0.00008; gnomAD 0.00009; gnomAD exomes 0.00010 and 0.00015; ExAC 0.00017; 1000 Genomes Project 30x 0.00031; 1000 Genomes Project 0.00040.
gnomAD v4.1: 166 of 1,610,030 alleles (0.01%); highest among the groups gnomAD compares: South Asian, 0.071%; 2 homozygotes.

Submissions (5):

Labcorp Genetics (formerly Invitae), Labcorp
Classification: Benign for Autoimmune lymphoproliferative syndrome. Last evaluated: 2025-10-23. Review status: criteria provided, single submitter. Criteria: Invitae Variant Classification Sherloc (09022015). Collection method: clinical testing. Allele origin: germline.

Blueprint Genetics
Classification: Likely benign. Last evaluated: 2024-11-11. Review status: criteria provided, single submitter. Criteria: ACMG Guidelines, 2015. Collection method: clinical testing. Allele origin: germline.

Illumina Laboratory Services, Illumina
Classification: Benign for Autoimmune lymphoproliferative syndrome type 1. Last evaluated: 2018-01-12. Review status: criteria provided, single submitter. Criteria: ICSL Variant Classification Criteria 13 December 2019. Collection method: clinical testing. Allele origin: germline.
Comment: This variant was observed in the ICSL laboratory as part of a predisposition screen in an ostensibly healthy population. It had not been previously curated by ICSL or reported in the Human Gene Mutation Database (HGMD: prior to June 1st, 2018), and was therefore a candidate for classification through an automated scoring system. Utilizing variant allele frequency, disease prevalence and penetrance estimates, and inheritance mode, an automated score was calculated to assess if this variant is too frequent to cause the disease. Based on the score and internal cut-off values, a variant classified as benign is not then subjected to further curation. The score for this variant resulted in a classification of benign for this disease.

Clinical Genetics DNA and cytogenetics Diagnostics Lab, Erasmus MC, Erasmus Medical Center
Classification: Likely benign. Review status: no assertion criteria provided. Collection method: clinical testing. Allele origin: germline. Affected: yes. Study: VKGL Data-share Consensus. Not counted in ClinVar's aggregate classification.

Genome Diagnostics Laboratory, University Medical Center Utrecht
Classification: Likely benign. Review status: no assertion criteria provided. Collection method: clinical testing. Allele origin: germline. Affected: yes. Study: VKGL Data-share Consensus. Not counted in ClinVar's aggregate classification.